The following is an entry in ClinVar:

NM_024675.4(PALB2):c.268G>T (p.Glu90Ter)

Gene: PALB2 (partner and localizer of BRCA2; minus strand). Cytogenetic location: 16p12.2.
Variant type: single nucleotide variant.
Coding change: c.268G>T on transcript NM_024675.4 (MANE Select); coding-DNA position 268, G replaced by T.
Protein change: p.Glu90Ter; replaces glutamic acid 90 with a stop codon.
Molecular consequence: nonsense. On other transcripts: 5 prime UTR variant (8), intron variant (3).
Genome position (GRCh38, 1-based): chr16:23,636,278, C>A on the plus strand (G>T on the coding strand, the complement: PALB2 is on the minus strand). VCF-style: chr16-23636278-C-A. GRCh37 (hg19) VCF-style: chr16-23647599-C-A.
Other names: c.208G>T, p.Glu70Ter (NM_001407296.1); c.268G>T, p.Glu90Ter (NM_001407297.1, NM_001407298.1, NM_001407299.1 and 3 more transcripts); c.-618G>T (NM_001407304.1, NM_001407305.1, NM_001407306.1 and 5 more transcripts); c.48+4832G>T (NM_001407314.1); c.-105+4832G>T (NM_001407313.1, NM_001407312.1); short protein forms E70*, E90*.
Identifiers: ClinVar variation 2673872 (VCV002673872.3), dbSNP rs2142447291, ClinGen allele CA395138867.

ClinVar aggregate classification (germline): Pathogenic. Review status: criteria provided, multiple submitters, no conflicts (2 of 4 stars). 3 submissions from 3 submitters: Pathogenic (3). Last evaluated 2025-03-05.

Conditions:
Hereditary cancer-predisposing syndrome. Also called: Tumor predisposition; Hereditary neoplastic syndrome; Neoplastic Syndromes, Hereditary; Hereditary Cancer Syndrome. Identifiers: Orphanet 140162, MedGen C0027672, MeSH D009386, MONDO:0015356.
Familial cancer of breast. Also called: Hereditary breast cancer; BREAST CANCER, FAMILIAL; hereditary breast carcinoma. Identifiers: Orphanet 227535, MedGen C0346153, MONDO:0016419, OMIM 114480. Disease mechanism: loss of function.

Submissions (3):

Labcorp Genetics (formerly Invitae), Labcorp
Classification: Pathogenic for Familial cancer of breast. Last evaluated: 2025-03-05. Review status: criteria provided, single submitter. Criteria: Invitae Variant Classification Sherloc (09022015). Collection method: clinical testing. Allele origin: germline.
Comment: This sequence change creates a premature translational stop signal (p.Glu90*) in the PALB2 gene. It is expected to result in an absent or disrupted protein product. Loss-of-function variants in PALB2 are known to be pathogenic (PMID: 17200668, 17200671, 17200672, 24136930, 25099575). This variant is not present in population databases (gnomAD no frequency). This premature translational stop signal has been observed in individual(s) with breast cancer (PMID: 28779002, 29431189). ClinVar contains an entry for this variant (Variation ID: 2673872). For these reasons, this variant has been classified as Pathogenic.

Ambry Genetics
Classification: Pathogenic for Hereditary cancer-predisposing syndrome. Last evaluated: 2024-11-21. Review status: criteria provided, single submitter. Criteria: Ambry Variant Classification Scheme 2023. Collection method: clinical testing. Allele origin: germline.
Comment: The p.E90* pathogenic mutation (also known as c.268G>T), located in coding exon 4 of the PALB2 gene, results from a G to T substitution at nucleotide position 268. This changes the amino acid from a glutamic acid to a stop codon within coding exon 4. This variant is considered to be rare based on population cohorts in the Genome Aggregation Database (gnomAD). This alteration is expected to result in loss of function by premature protein truncation or nonsense-mediated mRNA decay. As such, this alteration is interpreted as a disease-causing mutation.

Myriad Genetics, Inc.
Classification: Pathogenic for Familial cancer of breast. Last evaluated: 2023-09-06. Review status: criteria provided, single submitter. Criteria: Myriad Autosomal Dominant, Autosomal Recessive and X-Linked Classification Criteria (2023). Collection method: clinical testing. Allele origin: unknown.
Comment: This variant is considered pathogenic. This variant creates a termination codon and is predicted to result in premature protein truncation.

Literature cited by the submitters: PubMed 17200668 (cited by Labcorp Genetics (formerly Invitae), Labcorp); PubMed 17200671 (cited by Labcorp Genetics (formerly Invitae), Labcorp); PubMed 17200672 (cited by Labcorp Genetics (formerly Invitae), Labcorp); PubMed 24136930 (cited by Labcorp Genetics (formerly Invitae), Labcorp); PubMed 25099575 (cited by Labcorp Genetics (formerly Invitae), Labcorp); PubMed 28779002 (cited by Labcorp Genetics (formerly Invitae), Labcorp); PubMed 29431189 (cited by Labcorp Genetics (formerly Invitae), Labcorp).